The following is an entry in ClinVar:

ClinVar aggregate classification (germline): Uncertain significance (1 of 4 stars; one submission).

Allele frequency attached by ClinVar (database versions not stated): ExAC 0.00001.

Submission:

CeGaT Center for Human Genetics Tuebingen
Classification: Uncertain significance. Last evaluated: 2023-01-01. Review status: criteria provided, single submitter. Criteria: CeGaT Center For Human Genetics Tuebingen Variant Classification Criteria Version 2. Collection method: clinical testing. Allele origin: germline. Affected: yes. Observed: 1 variant allele.
Comment: TTN: PM2, BP4

NM_001267550.2(TTN):c.11311+3702C>G

Gene: TTN (titin; minus strand). Cytogenetic location: 2q31.2.
Variant type: single nucleotide variant.
Coding change: c.11311+3702C>G on transcript NM_001267550.2 (MANE Select); 3702 bases into the intron after coding-DNA position 11311, C replaced by G.
Molecular consequence: intron variant. On other transcripts: missense variant (1).
Genome position (GRCh38, 1-based): chr2:178,749,422, G>C on the plus strand (C>G on the coding strand, the complement: TTN is on the minus strand). VCF-style: chr2-178749422-G-C. GRCh37 (hg19) VCF-style: chr2-179614149-G-C.
Other names: c.12978C>G, p.Cys4326Trp (NM_133379.5); c.10222+3702C>G (NM_003319.4); c.10798+3702C>G (NM_133437.4); c.10597+3702C>G (NM_133432.3); c.10360+3702C>G (NM_133378.4, NM_001256850.1); short protein forms C4326W.
Identifiers: ClinVar variation 2651703 (VCV002651703.24), dbSNP rs757090311, ClinGen allele CA2003475.